The following is an entry in ClinVar:

NM_030777.4(SLC2A10):c.147C>G (p.Phe49Leu)

Gene: SLC2A10 (solute carrier family 2 member 10; plus strand). Cytogenetic location: 20q13.12.
Variant type: single nucleotide variant.
Coding change: c.147C>G on transcript NM_030777.4 (MANE Select); coding-DNA position 147, C replaced by G.
Protein change: p.Phe49Leu; replaces phenylalanine 49 with leucine.
Molecular consequence: missense variant.
Genome position (GRCh38, 1-based): chr20:46,725,183, C>G. VCF-style: chr20-46725183-C-G. GRCh37 (hg19) VCF-style: chr20-45353822-C-G.
Other names: short protein forms F49L.
Identifiers: ClinVar variation 656645 (VCV000656645.9), dbSNP rs1600666532, ClinGen allele CA409266442.

ClinVar aggregate classification (germline): Uncertain significance (1 of 4 stars; one submission).

Conditions:
Arterial tortuosity syndrome (ATORS). Identifiers: Orphanet 3342, MedGen C1859726, MONDO:0008818, OMIM 208050.

Submission:

Labcorp Genetics (formerly Invitae), Labcorp
Classification: Uncertain significance for Arterial tortuosity syndrome. Last evaluated: 2018-09-11. Review status: criteria provided, single submitter. Criteria: Invitae Variant Classification Sherloc (09022015). Collection method: clinical testing. Allele origin: germline.
Comment: In summary, the available evidence is currently insufficient to determine the role of this variant in disease. Therefore, it has been classified as a Variant of Uncertain Significance. Algorithms developed to predict the effect of missense changes on protein structure and function output the following: SIFT: "Tolerated"; PolyPhen-2: "Benign"; Align-GVGD: "Class C0". The leucine amino acid residue is found in multiple mammalian species, suggesting that this missense change does not adversely affect protein function. These predictions have not been confirmed by published functional studies and their clinical significance is uncertain. This variant has not been reported in the literature in individuals with SLC2A10-related disease. This variant is not present in population databases (ExAC no frequency). This sequence change replaces phenylalanine with leucine at codon 49 of the SLC2A10 protein (p.Phe49Leu). The phenylalanine residue is weakly conserved and there is a small physicochemical difference between phenylalanine and leucine.